The following is an entry in ClinVar:

NM_001008537.3(NEXMIF):c.298T>A (p.Ser100Thr)

Gene: NEXMIF (neurite extension and migration factor; minus strand). Cytogenetic location: Xq13.3.
Variant type: single nucleotide variant.
Coding change: c.298T>A on transcript NM_001008537.3 (MANE Select); coding-DNA position 298, T replaced by A.
Protein change: p.Ser100Thr; replaces serine 100 with threonine.
Molecular consequence: missense variant.
Genome position (GRCh38, 1-based): chrX:74,744,259, A>T on the plus strand (T>A on the coding strand, the complement: NEXMIF is on the minus strand). VCF-style: chrX-74744259-A-T. GRCh37 (hg19) VCF-style: chrX-73964094-A-T.
Other names: short protein forms S100T.
Identifiers: ClinVar variation 642079 (VCV000642079.9), dbSNP rs1602212931, ClinGen allele CA413673896.

ClinVar aggregate classification (germline): Uncertain significance. Review status: criteria provided, multiple submitters, no conflicts (2 of 4 stars). 2 submissions from 2 submitters: Uncertain significance (2). Last evaluated 2026-03-16.

gnomAD v4.1: 1 of 1,211,178 alleles (0.000083%); no homozygotes.

Submissions (2):

Women's Health and Genetics/Laboratory Corporation of America, LabCorp
Classification: Uncertain significance. Last evaluated: 2026-03-16. Review status: criteria provided, single submitter. Criteria: LabCorp Variant Classification Summary - May 2015. Collection method: clinical testing. Allele origin: germline.
Comment: Variant summary: NEXMIF c.298T>A (p.Ser100Thr) results in a conservative amino acid change in the encoded protein sequence. Algorithms developed to predict the effect of missense changes on protein structure and function are either unavailable or do not agree on the potential impact of this missense change. The variant allele was found at a frequency of 8.3e-07 in 1211178 control chromosomes. The available data on variant occurrences in the general population are insufficient to allow any conclusion about variant significance. To our knowledge, no occurrence of c.298T>A in individuals affected with NEXMIF-related conditions and no experimental evidence demonstrating its impact on protein function have been reported. ClinVar contains an entry for this variant (Variation ID: 642079). Based on the evidence outlined above, the variant was classified as uncertain significance.

Labcorp Genetics (formerly Invitae), Labcorp
Classification: Uncertain significance. Last evaluated: 2024-11-30. Review status: criteria provided, single submitter. Criteria: Invitae Variant Classification Sherloc (09022015). Collection method: clinical testing. Allele origin: germline.
Comment: This sequence change replaces serine, which is neutral and polar, with threonine, which is neutral and polar, at codon 100 of the NEXMIF protein (p.Ser100Thr). This variant is not present in population databases (gnomAD no frequency). This variant has not been reported in the literature in individuals affected with NEXMIF-related conditions. ClinVar contains an entry for this variant (Variation ID: 642079). An algorithm developed to predict the effect of missense changes on protein structure and function (PolyPhen-2) suggests that this variant is likely to be disruptive. In summary, the available evidence is currently insufficient to determine the role of this variant in disease. Therefore, it has been classified as a Variant of Uncertain Significance.